The following is an entry in ClinVar:

ClinVar aggregate classification (germline): Uncertain significance (1 of 4 stars; one submission).

Conditions:
Episodic kinesigenic dyskinesia (EKD). Also called: Paroxysmal kinesigenic dyskinesia. Identifiers: Orphanet 98809, MedGen C1868682, MONDO:0044202.

Submission:

Labcorp Genetics (formerly Invitae), Labcorp
Classification: Uncertain significance for Episodic kinesigenic dyskinesia. Last evaluated: 2024-05-31. Review status: criteria provided, single submitter. Criteria: Invitae Variant Classification Sherloc (09022015). Collection method: clinical testing. Allele origin: germline.
Comment: This sequence change replaces glutamic acid, which is acidic and polar, with aspartic acid, which is acidic and polar, at codon 199 of the PRRT2 protein (p.Glu199Asp). This variant is not present in population databases (gnomAD no frequency). This variant has not been reported in the literature in individuals affected with PRRT2-related conditions. ClinVar contains an entry for this variant (Variation ID: 1366940). Advanced modeling of protein sequence and biophysical properties (such as structural, functional, and spatial information, amino acid conservation, physicochemical variation, residue mobility, and thermodynamic stability) performed at Invitae indicates that this missense variant is not expected to disrupt PRRT2 protein function with a negative predictive value of 95%. In summary, the available evidence is currently insufficient to determine the role of this variant in disease. Therefore, it has been classified as a Variant of Uncertain Significance.

NM_145239.3(PRRT2):c.597G>C (p.Glu199Asp)

Genes: MVP-DT (MVP divergent transcript; minus strand), PRRT2 (proline rich transmembrane protein 2; plus strand). Cytogenetic location: 16p11.2.
Variant type: single nucleotide variant.
Coding change: c.597G>C on transcript NM_145239.3 (MANE Select); coding-DNA position 597, G replaced by C.
Protein change: p.Glu199Asp; replaces glutamic acid 199 with aspartic acid.
Molecular consequence: missense variant.
Genome position (GRCh38, 1-based): chr16:29,813,651, G>C. VCF-style: chr16-29813651-G-C. GRCh37 (hg19) VCF-style: chr16-29824972-G-C.
Other names: c.597G>C, p.Glu199Asp (NM_001256442.2, NM_001256443.2); short protein forms E199D.
Identifiers: ClinVar variation 1366940 (VCV001366940.8), dbSNP rs761568078, ClinGen allele CA395479034.